The following is an entry in ClinVar:

NM_001035.3(RYR2):c.2527G>C (p.Glu843Gln)

Gene: RYR2 (ryanodine receptor 2; plus strand). Cytogenetic location: 1q43.
Variant type: single nucleotide variant.
Coding change: c.2527G>C on transcript NM_001035.3 (MANE Select); coding-DNA position 2527, G replaced by C.
Protein change: p.Glu843Gln; replaces glutamic acid 843 with glutamine.
Molecular consequence: missense variant.
Genome position (GRCh38, 1-based): chr1:237,503,419, G>C. VCF-style: chr1-237503419-G-C. GRCh37 (hg19) VCF-style: chr1-237666719-G-C.
Other names: short protein forms E843Q.
Identifiers: ClinVar variation 2788965 (VCV002788965.3), dbSNP rs2545891224, ClinGen allele CA345379337.

ClinVar aggregate classification (germline): Uncertain significance (1 of 4 stars; one submission).

Conditions:
Catecholaminergic polymorphic ventricular tachycardia 1. Also called: VENTRICULAR TACHYCARDIA, STRESS-INDUCED POLYMORPHIC 1; VENTRICULAR TACHYCARDIA, CATECHOLAMINERGIC POLYMORPHIC, 1, WITH OR WITHOUT ATRIAL DYSFUNCTION AND/OR DILATED CARDIOMYOPATHY; RYR2-Related Catecholaminergic Polymorphic Ventricular Tachycardia. Identifiers: Orphanet 3286, MedGen C1631597, MONDO:0011484, OMIM 604772.

Submission:

Labcorp Genetics (formerly Invitae), Labcorp
Classification: Uncertain significance for Catecholaminergic polymorphic ventricular tachycardia 1. Last evaluated: 2025-06-23. Review status: criteria provided, single submitter. Criteria: Invitae Variant Classification Sherloc (09022015). Collection method: clinical testing. Allele origin: germline.
Comment: This sequence change replaces glutamic acid, which is acidic and polar, with glutamine, which is neutral and polar, at codon 843 of the RYR2 protein (p.Glu843Gln). This variant is not present in population databases (gnomAD no frequency). This variant has not been reported in the literature in individuals affected with RYR2-related conditions. ClinVar contains an entry for this variant (Variation ID: 2788965). Invitae Evidence Modeling of protein sequence and biophysical properties (such as structural, functional, and spatial information, amino acid conservation, physicochemical variation, residue mobility, and thermodynamic stability) indicates that this missense variant is not expected to disrupt RYR2 protein function with a negative predictive value of 95%. In summary, the available evidence is currently insufficient to determine the role of this variant in disease. Therefore, it has been classified as a Variant of Uncertain Significance.